The following is an entry in ClinVar:

NM_015466.4(PTPN23):c.2249C>G (p.Pro750Arg)

Gene: PTPN23 (protein tyrosine phosphatase non-receptor type 23; plus strand). Cytogenetic location: 3p21.31.
Variant type: single nucleotide variant.
Coding change: c.2249C>G on transcript NM_015466.4 (MANE Select); coding-DNA position 2249, C replaced by G.
Protein change: p.Pro750Arg; replaces proline 750 with arginine.
Molecular consequence: missense variant.
Genome position (GRCh38, 1-based): chr3:47,410,047, C>G. VCF-style: chr3-47410047-C-G. GRCh37 (hg19) VCF-style: chr3-47451537-C-G.
Other names: c.1871C>G, p.Pro624Arg (NM_001304482.2); short protein forms P750R, P624R.
Identifiers: ClinVar variation 1407960 (VCV001407960.5), dbSNP rs769041406, ClinGen allele CA352557856.

ClinVar aggregate classification (germline): Uncertain significance (1 of 4 stars; one submission).

gnomAD v4.1: 5 of 1,611,734 alleles (0.00031%); highest among the groups gnomAD compares: Non-Finnish European, 0.00025%; no homozygotes.

Submission:

Labcorp Genetics (formerly Invitae), Labcorp
Classification: Uncertain significance. Last evaluated: 2024-10-11. Review status: criteria provided, single submitter. Criteria: Invitae Variant Classification Sherloc (09022015). Collection method: clinical testing. Allele origin: germline.
Comment: This sequence change replaces proline, which is neutral and non-polar, with arginine, which is basic and polar, at codon 750 of the PTPN23 protein (p.Pro750Arg). This variant is present in population databases (no rsID available, gnomAD 0.003%). This variant has not been reported in the literature in individuals affected with PTPN23-related conditions. ClinVar contains an entry for this variant (Variation ID: 1407960). Experimental studies and prediction algorithms are not available or were not evaluated, and the functional significance of this variant is currently unknown. In summary, the available evidence is currently insufficient to determine the role of this variant in disease. Therefore, it has been classified as a Variant of Uncertain Significance.